The following is an entry in ClinVar:

ClinVar aggregate classification (germline): Uncertain significance (1 of 4 stars; one submission).

Conditions:
Inborn genetic diseases. Identifiers: MedGen C0950123, MeSH D030342.

Submission:

Ambry Genetics
Classification: Uncertain significance for Inborn genetic diseases. Last evaluated: 2026-09-08. Review status: criteria provided, single submitter. Criteria: Ambry Variant Classification Scheme 2023. Collection method: clinical testing. Allele origin: germline.
Comment: The p.Y1303D variant (also known as c.3907T>G), located in coding exon 1 of the SAMD9L gene, results from a T to G substitution at nucleotide position 3907. The tyrosine at codon 1303 is replaced by aspartic acid, an amino acid with highly dissimilar properties. This amino acid position is conserved. In addition, this alteration is predicted to be deleterious by in silico analysis. Based on the available evidence, the clinical significance of this variant remains unclear.

NM_152703.5(SAMD9L):c.3907T>G (p.Tyr1303Asp)

Gene: SAMD9L (sterile alpha motif domain containing 9 like; minus strand). Cytogenetic location: 7q21.2.
Variant type: single nucleotide variant.
Coding change: c.3907T>G on transcript NM_152703.5 (MANE Select); coding-DNA position 3907, T replaced by G.
Protein change: p.Tyr1303Asp; replaces tyrosine 1303 with aspartic acid.
Molecular consequence: missense variant.
Genome position (GRCh38, 1-based): chr7:93,132,065, A>C on the plus strand (T>G on the coding strand, the complement: SAMD9L is on the minus strand). VCF-style: chr7-93132065-A-C. GRCh37 (hg19) VCF-style: chr7-92761378-A-C.
Other names: c.3907T>G, p.Tyr1303Asp (NM_001303496.3, NM_001303497.3, NM_001303498.3 and 5 more transcripts); short protein forms Y1303D.
Identifiers: ClinVar variation 5028990 (VCV005028990.1).